The following is an entry in ClinVar:

NM_006158.5(NEFL):c.1123C>T (p.Leu375Phe)

Genes: NEFL (neurofilament light chain; minus strand), LOC126860330 (BRD4-independent group 4 enhancer GRCh37_chr8:24811677-24812876; plus strand). Cytogenetic location: 8p21.2.
Variant type: single nucleotide variant.
Coding change: c.1123C>T on transcript NM_006158.5 (MANE Select); coding-DNA position 1123, C replaced by T.
Protein change: p.Leu375Phe; replaces leucine 375 with phenylalanine.
Molecular consequence: missense variant.
Genome position (GRCh38, 1-based): chr8:24,954,227, G>A on the plus strand (C>T on the coding strand, the complement: NEFL is on the minus strand). VCF-style: chr8-24954227-G-A. GRCh37 (hg19) VCF-style: chr8-24811741-G-A.
Other names: short protein forms L375F.
Identifiers: ClinVar variation 916899 (VCV000916899.3), dbSNP rs1803010527, ClinGen allele CA370620863.

ClinVar aggregate classification (germline): Uncertain significance. Review status: criteria provided, multiple submitters, no conflicts (2 of 4 stars). 2 submissions from 2 submitters: Uncertain significance (2). Last evaluated 2025-05-28.

Conditions:
Charcot-Marie-Tooth disease. Also called: Charcot-Marie-Tooth Hereditary Neuropathy; Charcot-Marie-Tooth Neuropathy. Identifiers: Orphanet 166, MedGen C0007959, MONDO:0015626.
Charcot-Marie-Tooth disease type 2E (CMT2E). Also called: CHARCOT-MARIE-TOOTH DISEASE, AXONAL, TYPE 2E; CHARCOT-MARIE-TOOTH NEUROPATHY, TYPE 2E. Identifiers: Orphanet 99939, MedGen C1843225, MONDO:0011894, OMIM 607684.

Submissions (2):

Labcorp Genetics (formerly Invitae), Labcorp
Classification: Uncertain significance for Charcot-Marie-Tooth disease type 2E. Last evaluated: 2025-05-28. Review status: criteria provided, single submitter. Criteria: Invitae Variant Classification Sherloc (09022015). Collection method: clinical testing. Allele origin: germline.
Comment: This sequence change replaces leucine, which is neutral and non-polar, with phenylalanine, which is neutral and non-polar, at codon 375 of the NEFL protein (p.Leu375Phe). This variant is not present in population databases (gnomAD no frequency). This missense change has been observed in individual(s) with Charcot-Marie-Tooth Disease (PMID: 32376792). ClinVar contains an entry for this variant (Variation ID: 916899). Invitae Evidence Modeling of protein sequence and biophysical properties (such as structural, functional, and spatial information, amino acid conservation, physicochemical variation, residue mobility, and thermodynamic stability) indicates that this missense variant is expected to disrupt NEFL protein function with a positive predictive value of 80%. In summary, the available evidence is currently insufficient to determine the role of this variant in disease. Therefore, it has been classified as a Variant of Uncertain Significance.

Molecular Genetics Laboratory, London Health Sciences Centre
Classification: Uncertain significance for Charcot-Marie-Tooth disease. Review status: criteria provided, single submitter. Criteria: ACMG Guidelines, 2015. Collection method: clinical testing. Allele origin: germline. Affected: yes.

Literature cited by the submitters: PubMed 32376792 (cited by Labcorp Genetics (formerly Invitae), Labcorp).